The following is an entry in ClinVar:

ClinVar aggregate classification (germline): Uncertain significance (1 of 4 stars; one submission).

Submission:

Labcorp Genetics (formerly Invitae), Labcorp
Classification: Uncertain significance. Last evaluated: 2024-06-28. Review status: criteria provided, single submitter. Criteria: Invitae Variant Classification Sherloc (09022015). Collection method: clinical testing. Allele origin: germline.
Comment: This sequence change replaces glycine, which is neutral and non-polar, with arginine, which is basic and polar, at codon 113 of the SLC25A32 protein (p.Gly113Arg). This variant is not present in population databases (gnomAD no frequency). This variant has not been reported in the literature in individuals affected with SLC25A32-related conditions. Advanced modeling of protein sequence and biophysical properties (such as structural, functional, and spatial information, amino acid conservation, physicochemical variation, residue mobility, and thermodynamic stability) performed at Invitae indicates that this missense variant is not expected to disrupt SLC25A32 protein function with a negative predictive value of 80%. In summary, the available evidence is currently insufficient to determine the role of this variant in disease. Therefore, it has been classified as a Variant of Uncertain Significance.

NM_030780.5(SLC25A32):c.337G>A (p.Gly113Arg)

Gene: SLC25A32 (solute carrier family 25 member 32; minus strand). Cytogenetic location: 8q22.3.
Variant type: single nucleotide variant.
Coding change: c.337G>A on transcript NM_030780.5 (MANE Select); coding-DNA position 337, G replaced by A.
Protein change: p.Gly113Arg; replaces glycine 113 with arginine.
Molecular consequence: missense variant. On other transcripts: non-coding transcript variant (1).
Genome position (GRCh38, 1-based): chr8:103,404,830, C>T on the plus strand (G>A on the coding strand, the complement: SLC25A32 is on the minus strand). VCF-style: chr8-103404830-C-T. GRCh37 (hg19) VCF-style: chr8-104417058-C-T.
Other names: short protein forms G113R.
Identifiers: ClinVar variation 3627353 (VCV003627353.2).